The following is an entry in ClinVar:

NM_012254.3(SLC27A5):c.777del (p.Val261fs)

Gene: SLC27A5 (solute carrier family 27 member 5; minus strand). Cytogenetic location: 19q13.43.
Variant type: Deletion.
Coding change: c.777del on transcript NM_012254.3 (MANE Select); coding-DNA position 777, one base deleted (A; older notation c.777delA).
Protein change: p.Val261fs; shifts the reading frame from valine 261.
Molecular consequence: frameshift variant.
Genome position (GRCh38, 1-based): chr19:58,510,842, T deleted on the plus strand (A on the coding strand, the reverse complement: SLC27A5 is on the minus strand). VCF-style (leftmost placement, unchanged base first): chr19-58510841-CT-C. GRCh37 (hg19) VCF-style: chr19-59022208-CT-C.
Other names: p.Val261Trpfs*55; c.525del, p.Val177fs (NM_001321196.2); short protein forms V177fs, V261fs.
Identifiers: ClinVar variation 2634167 (VCV002634167.3), dbSNP rs752680997, ClinGen allele CA9718212.

ClinVar aggregate classification (germline): Uncertain significance. Review status: criteria provided, single submitter (1 of 4 stars). 2 submissions from 2 submitters: Uncertain significance (1). 1 of the submissions does not count toward it. Last evaluated 2023-12-15.

Conditions:
SLC27A5-related disorder. Also called: SLC27A5-related condition.

Allele frequency attached by ClinVar (database versions not stated): ExAC 0.00006; ESP Exome Variant Server 0.00008; gnomAD 0.00011; TOPMed 0.00014; gnomAD exomes 0.00024.

Submissions (2):

Mayo Clinic Laboratories, Mayo Clinic
Classification: Uncertain significance. Last evaluated: 2023-12-15. Review status: criteria provided, single submitter. Criteria: ACMG Guidelines, 2015. Collection method: clinical testing. Allele origin: germline. Observed: 1 variant allele.

PreventionGenetics, part of Exact Sciences
Classification: Uncertain significance for SLC27A5-related condition. Last evaluated: 2024-05-31. Review status: no assertion criteria provided. Collection method: clinical testing. Allele origin: germline. Not counted in ClinVar's aggregate classification.
Comment: The SLC27A5 c.777delA variant is predicted to result in a frameshift and premature protein termination (p.Val261Trpfs*55). To our knowledge, this variant has not been reported in the literature. This variant is reported in 0.021% of alleles in individuals of European (Non-Finnish) descent in gnomAD. Loss-of-function variants in the SLC27A5 gene have not been reported to date (Human Gene Mutation Database). At this time, the clinical significance of this variant is uncertain due to the absence of conclusive functional and genetic evidence.